The following is an entry in ClinVar:

ClinVar aggregate classification (germline): Uncertain significance (1 of 4 stars; one submission).

Conditions:
Long QT syndrome (LQTS). Identifiers: MedGen C0023976, MeSH D008133, MONDO:0002442. Disease mechanism: loss of function. Inheritance: Various modes of inheritance.

gnomAD v4.1: 2 of 1,593,704 alleles (0.00013%); highest among the groups gnomAD compares: Non-Finnish European, 0.00017%; no homozygotes.

Submission:

Labcorp Genetics (formerly Invitae), Labcorp
Classification: Uncertain significance for Long QT syndrome. Last evaluated: 2023-06-25. Review status: criteria provided, single submitter. Criteria: Invitae Variant Classification Sherloc (09022015). Collection method: clinical testing. Allele origin: germline.
Comment: Variants that disrupt the consensus splice site are a relatively common cause of aberrant splicing (PMID: 17576681, 9536098). Algorithms developed to predict the effect of sequence changes on RNA splicing suggest that this variant is not likely to affect RNA splicing. This variant has not been reported in the literature in individuals affected with CACNA1C-related conditions. This variant is not present in population databases (gnomAD no frequency). This sequence change falls in intron 38 of the CACNA1C gene. It does not directly change the encoded amino acid sequence of the CACNA1C protein. It affects a nucleotide within the consensus splice site. In summary, the available evidence is currently insufficient to determine the role of this variant in disease. Therefore, it has been classified as a Variant of Uncertain Significance.

Literature cited by the submitters: PubMed 17576681; PubMed 9536098.

NM_000719.7(CACNA1C):c.4726+6G>T

Genes: CACNA1C (calcium voltage-gated channel subunit alpha1 C; plus strand), CACNA1C-AS2 (CACNA1C antisense RNA 2; minus strand). Cytogenetic location: 12p13.33.
Variant type: single nucleotide variant.
Coding change: c.4726+6G>T on transcript NM_000719.7 (MANE Select); 6 bases into the intron after coding-DNA position 4726, G replaced by T.
Molecular consequence: intron variant.
Genome position (GRCh38, 1-based): chr12:2,669,041, G>T. VCF-style: chr12-2669041-G-T. GRCh37 (hg19) VCF-style: chr12-2778207-G-T.
Other names: c.4726+6G>T (NM_001167624.3, NM_001167623.2, NM_001129840.2 and 7 more transcripts); c.4693+6G>T (NM_001167625.2, NM_001129837.2, NM_001129838.2 and 1 more transcripts); c.4870+6G>T (NM_199460.4, NM_001129827.2); c.4786+6G>T (NM_001129832.2); c.4810+6G>T (NM_001129831.2); c.4792+6G>T (NM_001129829.2); c.4687+6G>T (NM_001129839.2); c.4777+6G>T (NM_001129836.2); and 1 more.
Identifiers: ClinVar variation 2914512 (VCV002914512.3), dbSNP rs779722023, ClinGen allele CA2012342931.